The following is an entry in ClinVar:

ClinVar aggregate classification (germline): Uncertain significance (1 of 4 stars; one submission).

gnomAD v4.1: 6 of 1,613,310 alleles (0.00037%); highest among the groups gnomAD compares: Admixed American, 0.0017%; no homozygotes.

Submission:

Labcorp Genetics (formerly Invitae), Labcorp
Classification: Uncertain significance. Last evaluated: 2025-12-08. Review status: criteria provided, single submitter. Criteria: Invitae Variant Classification Sherloc (09022015). Collection method: clinical testing. Allele origin: germline.
Comment: This sequence change replaces glycine, which is neutral and non-polar, with glutamic acid, which is acidic and polar, at codon 1344 of the ERBIN protein (p.Gly1344Glu). This variant is present in population databases (no rsID available, gnomAD 0.003%). This variant has not been reported in the literature in individuals affected with ERBIN-related conditions. An algorithm developed to predict the effect of missense changes on protein structure and function (PolyPhen-2) suggests that this variant is likely to be disruptive. In summary, the available evidence is currently insufficient to determine the role of this variant in disease. Therefore, it has been classified as a Variant of Uncertain Significance.

NM_001253697.2(ERBIN):c.4031G>A (p.Gly1344Glu)

Gene: ERBIN (erbb2 interacting protein; plus strand). Cytogenetic location: 5q12.3.
Variant type: single nucleotide variant.
Coding change: c.4031G>A on transcript NM_001253697.2 (MANE Select); coding-DNA position 4031, G replaced by A.
Protein change: p.Gly1344Glu; replaces glycine 1344 with glutamic acid.
Molecular consequence: missense variant.
Genome position (GRCh38, 1-based): chr5:66,076,383, G>A. VCF-style: chr5-66076383-G-A. GRCh37 (hg19) VCF-style: chr5-65372211-G-A.
Other names: c.3701G>A, p.Gly1234Glu (NM_001006600.3); c.3908G>A, p.Gly1303Glu (NM_001253698.2, NM_018695.4); c.4052G>A, p.Gly1351Glu (NM_001253699.2); c.3896G>A, p.Gly1299Glu (NM_001253701.2); short protein forms G1234E, G1351E, G1299E, G1344E, G1303E.
Identifiers: ClinVar variation 4690624 (VCV004690624.1).